The following is an entry in ClinVar:

ClinVar aggregate classification (germline): Uncertain significance. Review status: criteria provided, multiple submitters, no conflicts (2 of 4 stars). 2 submissions from 2 submitters: Uncertain significance (2). Last evaluated 2026-04-28.

Conditions:
Inborn genetic diseases. Identifiers: MedGen C0950123, MeSH D030342.

Allele frequency attached by ClinVar (database versions not stated): gnomAD exomes below 0.00001.
gnomAD v4.1: 4 of 1,614,214 alleles (0.00025%); highest among the groups gnomAD compares: Non-Finnish European, 0.00025%; no homozygotes.

Submissions (2):

Ambry Genetics
Classification: Uncertain significance for Inborn genetic diseases. Last evaluated: 2026-04-28. Review status: criteria provided, single submitter. Criteria: Ambry Variant Classification Scheme 2023. Collection method: clinical testing. Allele origin: germline.

Labcorp Genetics (formerly Invitae), Labcorp
Classification: Uncertain significance. Last evaluated: 2023-12-03. Review status: criteria provided, single submitter. Criteria: Invitae Variant Classification Sherloc (09022015). Collection method: clinical testing. Allele origin: germline.
Comment: This sequence change replaces leucine, which is neutral and non-polar, with serine, which is neutral and polar, at codon 1566 of the MYH3 protein (p.Leu1566Ser). This variant is not present in population databases (gnomAD no frequency). This variant has not been reported in the literature in individuals affected with MYH3-related conditions. Advanced modeling of protein sequence and biophysical properties (such as structural, functional, and spatial information, amino acid conservation, physicochemical variation, residue mobility, and thermodynamic stability) performed at Invitae indicates that this missense variant is not expected to disrupt MYH3 protein function with a negative predictive value of 95%. In summary, the available evidence is currently insufficient to determine the role of this variant in disease. Therefore, it has been classified as a Variant of Uncertain Significance.

NM_002470.4(MYH3):c.4697T>C (p.Leu1566Ser)

Gene: MYH3 (myosin heavy chain 3; minus strand). Cytogenetic location: 17p13.1.
Variant type: single nucleotide variant.
Coding change: c.4697T>C on transcript NM_002470.4 (MANE Select); coding-DNA position 4697, T replaced by C.
Protein change: p.Leu1566Ser; replaces leucine 1566 with serine.
Molecular consequence: missense variant.
Genome position (GRCh38, 1-based): chr17:10,632,735, A>G on the plus strand (T>C on the coding strand, the complement: MYH3 is on the minus strand). VCF-style: chr17-10632735-A-G. GRCh37 (hg19) VCF-style: chr17-10536052-A-G.
Other names: c.4697T>C (NM_002470.3); short protein forms L1566S.
Identifiers: ClinVar variation 2723286 (VCV002723286.4), dbSNP rs2508572689, ClinGen allele CA398138050.